The following is an entry in ClinVar:

NM_014845.6(FIG4):c.987C>T (p.Pro329=)

Gene: FIG4 (FIG4 phosphoinositide 5-phosphatase; plus strand). Cytogenetic location: 6q21.
Variant type: single nucleotide variant.
Coding change: c.987C>T on transcript NM_014845.6 (MANE Select); coding-DNA position 987, C replaced by T.
Protein change: p.Pro329=; no amino-acid change (proline 329 retained).
Molecular consequence: synonymous variant.
Genome position (GRCh38, 1-based): chr6:109,743,220, C>T. VCF-style: chr6-109743220-C-T. GRCh37 (hg19) VCF-style: chr6-110064423-C-T.
Identifiers: ClinVar variation 3389364 (VCV003389364.14).
Genomic context (GRCh38, chr6:109,743,220, plus strand): 5'-TGTGATGTCTTTCACTGCAGGAAGTTATTCTTCATATGTACAAGTTAGAGGATCTGTGCC[C>T]TTATACTGGTCTCAGGACATTTCAACTATGATGCCTAAACCACCTATTACATGTGTGTGG-3'
Protein context (NP_055660.1, residues 319-339): SSYVQVRGSV[Pro329=]LYWSQDISTM

ClinVar aggregate classification (germline): Likely benign (1 of 4 stars; one submission).

gnomAD v4.1: 22 of 1,612,956 alleles (0.0014%); highest among the groups gnomAD compares: Non-Finnish European, 0.0018%; no homozygotes.

Submission:

CeGaT Center for Human Genetics Tuebingen
Classification: Likely benign. Last evaluated: 2024-11-01. Review status: criteria provided, single submitter. Criteria: CeGaT Center For Human Genetics Tuebingen Variant Classification Criteria Version 2. Collection method: clinical testing. Allele origin: germline. Affected: yes. Observed: 1 variant allele.
Comment: FIG4: BP4, BP7